The following is an entry in ClinVar:

ClinVar aggregate classification (germline): Uncertain significance. Review status: criteria provided, multiple submitters, no conflicts (2 of 4 stars). 2 submissions from 2 submitters: Uncertain significance (2). Last evaluated 2025-12-24.

Conditions:
Autoimmune lymphoproliferative syndrome type 2A (ALPS2A). Also called: CASP10-Related Autoimmune Lymphoproliferative Syndrome; AUTOIMMUNE LYMPHOPROLIFERATIVE SYNDROME, TYPE IIA; Autoimmune lymphoproliferative syndrome type 2. Identifiers: Orphanet 3261, MedGen C1858968, MONDO:0011383, OMIM 603909.

Allele frequency attached by ClinVar (database versions not stated): gnomAD 0.00001; gnomAD exomes 0.00002 and 0.00005; TOPMed 0.00002; ExAC 0.00003.

Submissions (2):

Labcorp Genetics (formerly Invitae), Labcorp
Classification: Uncertain significance for Autoimmune lymphoproliferative syndrome type 2A. Last evaluated: 2025-12-24. Review status: criteria provided, single submitter. Criteria: Invitae Variant Classification Sherloc (09022015). Collection method: clinical testing. Allele origin: germline.
Comment: This sequence change replaces glutamic acid, which is acidic and polar, with lysine, which is basic and polar, at codon 206 of the CASP10 protein (p.Glu206Lys). This variant is present in population databases (no rsID available, gnomAD 0.04%). This variant has not been reported in the literature in individuals affected with CASP10-related conditions. ClinVar contains an entry for this variant (Variation ID: 642131). An algorithm developed to predict the effect of missense changes on protein structure and function outputs the following: PolyPhen-2: "Benign". The lysine amino acid residue is found in multiple mammalian species, which suggests that this missense change does not adversely affect protein function. In summary, the available evidence is currently insufficient to determine the role of this variant in disease. Therefore, it has been classified as a Variant of Uncertain Significance.

Ambry Genetics
Classification: Uncertain significance. Last evaluated: 2024-08-20. Review status: criteria provided, single submitter. Criteria: Ambry Variant Classification Scheme 2023. Collection method: clinical testing. Allele origin: germline.

NM_032977.4(CASP10):c.616G>A (p.Glu206Lys)

Gene: CASP10 (caspase 10; plus strand). Cytogenetic location: 2q33.1.
Variant type: single nucleotide variant.
Coding change: c.616G>A on transcript NM_032977.4 (MANE Select); coding-DNA position 616, G replaced by A.
Protein change: p.Glu206Lys; replaces glutamic acid 206 with lysine.
Molecular consequence: missense variant.
Genome position (GRCh38, 1-based): chr2:201,195,880, G>A. VCF-style: chr2-201195880-G-A. GRCh37 (hg19) VCF-style: chr2-202060603-G-A.
Other names: c.616G>A, p.Glu206Lys (NM_001206524.2, NM_001206542.2, NM_001230.5 and 3 more transcripts); short protein forms E206K.
Identifiers: ClinVar variation 642131 (VCV000642131.12), dbSNP rs972443043, ClinGen allele CA2052932.
Genomic context (GRCh38, chr2:201,195,880, plus strand): 5'-CTGTCTGTGATTTTATTTTCAGCTATCCAGATAGTGACACCTCCTGTAGACAAGGAAGCC[G>A]AGTCGTATCAAGGAGAGGAAGAACTAGTTTCCCAAACAGATGTTAAGACATTCTTGGAAG-3'
Protein context (NP_116759.2, residues 196-216): IVTPPVDKEA[Glu206Lys]SYQGEEELVS